The following is an entry in ClinVar:

ClinVar aggregate classification (germline): Benign (0 of 4 stars; one submission).

Conditions:
MYO7B-related disorder. Also called: MYO7B-related condition.

Submission:

PreventionGenetics, part of Exact Sciences
Classification: Benign for MYO7B-related condition. Last evaluated: 2019-05-01. Review status: no assertion criteria provided. Collection method: clinical testing. Allele origin: germline.
Comment: This variant is classified as benign based on ACMG/AMP sequence variant interpretation guidelines (Richards et al. 2015 PMID: 25741868, with internal and published modifications).

NM_001393586.1(MYO7B):c.5406-5dup

Gene: MYO7B (myosin VIIB; plus strand). Cytogenetic location: 2q14.3.
Variant type: Duplication.
Coding change: c.5406-5dup on transcript NM_001393586.1 (MANE Select); 5 bases into the intron before coding-DNA position 5406, one base duplicated (C; older notation c.5406-5dupC).
Molecular consequence: intron variant.
Genome position (GRCh38, 1-based): chr2:127,633,253, C duplicated; the last of 5 consecutive C bases (chr2:127,633,249-127,633,253); duplicating any one gives the same sequence. VCF-style (leftmost placement, unchanged base first): chr2-127633248-T-TC. GRCh37 (hg19) VCF-style: chr2-128390823-T-TC.
Other names: c.5328-5dup (NM_001080527.2); c.1887-5dup (NM_001393594.1).
Identifiers: ClinVar variation 3038053 (VCV003038053.2), dbSNP rs369735300, ClinGen allele CA1862270.